The following is an entry in ClinVar:

ClinVar aggregate classification (germline): Uncertain significance. Review status: criteria provided, multiple submitters, no conflicts (2 of 4 stars). 2 submissions from 2 submitters: Uncertain significance (2). Last evaluated 2025-09-30.

Conditions:
Short stature, impaired intellectual development, microcephaly, hypotonia, and ocular anomalies (SIMHA). Also called: SIMHA syndrome. Identifiers: MedGen C5561998, MONDO:0859198, OMIM 619557.

gnomAD v4.1: 11 of 1,569,466 alleles (0.0007%); highest among the groups gnomAD compares: Non-Finnish European, 0.00095%; no homozygotes.

Submissions (2):

Ambry Genetics
Classification: Uncertain significance. Last evaluated: 2025-09-30. Review status: criteria provided, single submitter. Criteria: Ambry Variant Classification Scheme 2023. Collection method: clinical testing. Allele origin: germline.

Neuberg Centre For Genomic Medicine, NCGM
Classification: Uncertain significance for Short stature, impaired intellectual development, microcephaly, hypotonia, and ocular anomalies. Review status: criteria provided, single submitter. Criteria: ACMG Guidelines, 2015. Collection method: clinical testing. Allele origin: germline. Inheritance: Autosomal recessive inheritance. Affected: yes.
Comment: The missense c.5860G>C p.Asp1954His variant in ZNF407 gene has not been reported previously as a pathogenic variant nor as a benign variant, to our knowledge. The p.Asp1954His variant is novel not in any individuals in gnomAD Exomes and 1000 Genomes. This variant has not been reported to the ClinVar database. The amino acid change p.Asp1954His in ZNF407 is predicted as conserved by GERP++ and PhyloP across 100 vertebrates. The amino acid Asp at position 1954 is changed to a His changing protein sequence and it might alter its composition and physico-chemical properties. For these reasons, this variant has been classified as a Variant of Uncertain Significance VUS.

NM_017757.3(ZNF407):c.5860G>C (p.Asp1954His)

Gene: ZNF407 (zinc finger protein 407; plus strand). Cytogenetic location: 18q22.3.
Variant type: single nucleotide variant.
Coding change: c.5860G>C on transcript NM_017757.3 (MANE Select); coding-DNA position 5860, G replaced by C.
Protein change: p.Asp1954His; replaces aspartic acid 1954 with histidine.
Molecular consequence: missense variant.
Genome position (GRCh38, 1-based): chr18:75,063,581, G>C. VCF-style: chr18-75063581-G-C. GRCh37 (hg19) VCF-style: chr18-72775537-G-C.
Other names: c.5860G>C (NM_017757.2); c.5860G>C, p.Asp1954His (NM_001384475.1); short protein forms D1954H.
Identifiers: ClinVar variation 3236426 (VCV003236426.3), dbSNP rs2512068490, ClinGen allele CA403071133.